The following is an entry in ClinVar:

ClinVar aggregate classification (germline): Uncertain significance (1 of 4 stars; one submission).

Allele frequency attached by ClinVar (database versions not stated): gnomAD exomes below 0.00001.
gnomAD v4.1: 2 of 1,613,998 alleles (0.00012%); highest among the groups gnomAD compares: Admixed American, 0.0033%; no homozygotes.

Submission:

Labcorp Genetics (formerly Invitae), Labcorp
Classification: Uncertain significance. Last evaluated: 2024-03-11. Review status: criteria provided, single submitter. Criteria: Invitae Variant Classification Sherloc (09022015). Collection method: clinical testing. Allele origin: germline.
Comment: This sequence change replaces serine, which is neutral and polar, with cysteine, which is neutral and slightly polar, at codon 54 of the FAT2 protein (p.Ser54Cys). This variant is present in population databases (no rsID available, gnomAD 0.006%). This variant has not been reported in the literature in individuals affected with FAT2-related conditions. ClinVar contains an entry for this variant (Variation ID: 2130954). An algorithm developed to predict the effect of missense changes on protein structure and function (PolyPhen-2) suggests that this variant is likely to be disruptive. In summary, the available evidence is currently insufficient to determine the role of this variant in disease. Therefore, it has been classified as a Variant of Uncertain Significance.

NM_001447.3(FAT2):c.160A>T (p.Ser54Cys)

Gene: FAT2 (FAT atypical cadherin 2; minus strand). Cytogenetic location: 5q33.1.
Variant type: single nucleotide variant.
Coding change: c.160A>T on transcript NM_001447.3 (MANE Select); coding-DNA position 160, A replaced by T.
Protein change: p.Ser54Cys; replaces serine 54 with cysteine.
Molecular consequence: missense variant.
Genome position (GRCh38, 1-based): chr5:151,568,772, T>A on the plus strand (A>T on the coding strand, the complement: FAT2 is on the minus strand). VCF-style: chr5-151568772-T-A. GRCh37 (hg19) VCF-style: chr5-150948333-T-A.
Other names: short protein forms S54C.
Identifiers: ClinVar variation 2130954 (VCV002130954.4), dbSNP rs1226846110, ClinGen allele CA361817820.